The following is an entry in ClinVar:

NM_000215.4(JAK3):c.1432dup (p.Arg478fs)

Gene: JAK3 (Janus kinase 3; minus strand). Cytogenetic location: 19p13.11.
Variant type: Duplication.
Coding change: c.1432dup on transcript NM_000215.4 (MANE Select); coding-DNA position 1432, one base duplicated (A; older notation c.1432dupA).
Protein change: p.Arg478fs; shifts the reading frame from arginine 478.
Molecular consequence: frameshift variant.
Genome position (GRCh38, 1-based): chr19:17,839,486, T duplicated on the plus strand (A on the coding strand, the reverse complement: JAK3 is on the minus strand). VCF-style (leftmost placement, unchanged base first): chr19-17839485-C-CT. GRCh37 (hg19) VCF-style: chr19-17950294-C-CT.
Other names: c.1432dupA (NM_000215.3); short protein forms R478fs.
Identifiers: ClinVar variation 453184 (VCV000453184.5), dbSNP rs769633203, ClinGen allele CA9301908.

ClinVar aggregate classification (germline): Pathogenic. Review status: criteria provided, multiple submitters, no conflicts (2 of 4 stars). 2 submissions from 2 submitters: Pathogenic (2). Last evaluated 2025-09-06.

Conditions:
T-B+ severe combined immunodeficiency due to JAK3 deficiency. Also called: SCID, T CELL-NEGATIVE, B CELL-POSITIVE, NK CELL-NEGATIVE; SCID, autosomal recessive, T-negative/B-positive type. Identifiers: Orphanet 35078, MedGen C1833275, MONDO:0010938, OMIM 600802.

Allele frequency attached by ClinVar (database versions not stated): ExAC 0.00003; gnomAD exomes below 0.00001; gnomAD 0.00001.

Submissions (2):

Labcorp Genetics (formerly Invitae), Labcorp
Classification: Pathogenic for T-B+ severe combined immunodeficiency due to JAK3 deficiency. Last evaluated: 2025-09-06. Review status: criteria provided, single submitter. Criteria: Invitae Variant Classification Sherloc (09022015). Collection method: clinical testing. Allele origin: germline.
Comment: This sequence change creates a premature translational stop signal (p.Arg478Lysfs*42) in the JAK3 gene. It is expected to result in an absent or disrupted protein product. Loss-of-function variants in JAK3 are known to be pathogenic (PMID: 7481768, 11668621). This variant is present in population databases (rs769633203, gnomAD 0.007%). This variant has not been reported in the literature in individuals affected with JAK3-related conditions. ClinVar contains an entry for this variant (Variation ID: 453184). For these reasons, this variant has been classified as Pathogenic.

GeneDx
Classification: Pathogenic. Last evaluated: 2017-11-03. Review status: criteria provided, single submitter. Criteria: GeneDx Variant Classification (06012015). Collection method: clinical testing. Allele origin: germline. Affected: yes.
Comment: The c.1432dupA variant has not been published as a pathogenic variant, nor has it been reported as a benign variant to our knowledge. It causes a frameshift starting with codon Arginine 478, changes this amino acid to a Lysine residue and creates a premature Stop codon at position 42 of the new reading frame, denoted p.Arg478LysfsX42. This variant is predicted to cause loss of normal protein function either through protein truncation or nonsense-mediated mRNA decay. The variant is not observed at a significant frequency in large population cohorts (Lek et al., 2016). In summary, we consider this variant to be pathogenic.

Literature cited by the submitters: PubMed 7481768 (cited by Labcorp Genetics (formerly Invitae), Labcorp); PubMed 11668621 (cited by Labcorp Genetics (formerly Invitae), Labcorp).